The following is an entry in ClinVar:

ClinVar aggregate classification (germline): Uncertain significance (1 of 4 stars; one submission).

Submission:

GeneDx
Classification: Uncertain significance. Last evaluated: 2022-03-10. Review status: criteria provided, single submitter. Criteria: GeneDx Variant Classification Process June 2021. Collection method: clinical testing. Allele origin: germline. Affected: yes.
Comment: Not observed at significant frequency in large population cohorts (gnomAD); In silico analysis supports that this missense variant has a deleterious effect on protein structure/function; Has not been previously published as pathogenic or benign to our knowledge; This variant is associated with the following publications: (PMID: 26503042, 26138142, 25168514)

NM_002047.4(GARS1):c.553C>G (p.Pro185Ala)

Gene: GARS1 (glycyl-tRNA synthetase 1; plus strand). Cytogenetic location: 7p14.3.
Variant type: single nucleotide variant.
Coding change: c.553C>G on transcript NM_002047.4 (MANE Select); coding-DNA position 553, C replaced by G.
Protein change: p.Pro185Ala; replaces proline 185 with alanine.
Molecular consequence: missense variant.
Genome position (GRCh38, 1-based): chr7:30,601,184, C>G. VCF-style: chr7-30601184-C-G. GRCh37 (hg19) VCF-style: chr7-30640800-C-G.
Other names: c.391C>G, p.Pro131Ala (NM_001316772.1); short protein forms P131A, P185A.
Identifiers: ClinVar variation 1704660 (VCV001704660.2), dbSNP rs2534290701, ClinGen allele CA367139598.